The following is an entry in ClinVar:

ClinVar aggregate classification (germline): Uncertain significance (1 of 4 stars; one submission).

Conditions:
Inborn genetic diseases. Identifiers: MedGen C0950123, MeSH D030342.

gnomAD v4.1: 14 of 1,613,584 alleles (0.00087%); highest among the groups gnomAD compares: Middle Eastern, 0.016%; no homozygotes.

Submission:

Ambry Genetics
Classification: Uncertain significance for Inborn genetic diseases. Last evaluated: 2026-08-13. Review status: criteria provided, single submitter. Criteria: Ambry Variant Classification Scheme 2023. Collection method: clinical testing. Allele origin: germline.
Comment: The c.4178G>A (p.R1393H) alteration is located in exon 30 (coding exon 30) of the CACNA1E gene. This alteration results from a G to A substitution at nucleotide position 4178, causing the arginine (R) at amino acid position 1393 to be replaced by a histidine (H). Based on data from gnomAD, the A allele has an overall frequency of 0.001% (3/280662) total alleles studied. The highest observed frequency was 0.004% (1/25022) of European (Finnish) alleles. Based on insufficient or conflicting evidence, the clinical significance of this alteration remains unclear.

NM_001205293.3(CACNA1E):c.4178G>A (p.Arg1393His)

Gene: CACNA1E (calcium voltage-gated channel subunit alpha1 E; plus strand). Cytogenetic location: 1q25.3.
Variant type: single nucleotide variant.
Coding change: c.4178G>A on transcript NM_001205293.3 (MANE Select); coding-DNA position 4178, G replaced by A.
Protein change: p.Arg1393His; replaces arginine 1393 with histidine.
Molecular consequence: missense variant.
Genome position (GRCh38, 1-based): chr1:181,756,975, G>A. VCF-style: chr1-181756975-G-A. GRCh37 (hg19) VCF-style: chr1-181726111-G-A.
Other names: c.4178G>A, p.Arg1393His (NM_000721.4); c.4121G>A, p.Arg1374His (NM_001205294.2); short protein forms R1393H, R1374H.
Identifiers: ClinVar variation 5033591 (VCV005033591.1).